The following is an entry in ClinVar:

ClinVar aggregate classification (germline): Uncertain significance (1 of 4 stars; one submission).

Conditions:
Bethlem myopathy 1A. Also called: MYOPATHY, BENIGN CONGENITAL, WITH CONTRACTURES; Bethlem Muscular Dystrophy; Bethlem myopathy 1. Identifiers: Orphanet 610, MedGen CN029274, MONDO:0024530, OMIM 158810.

Allele frequency attached by ClinVar (database versions not stated): TOPMed below 0.00001; gnomAD 0.00001.
gnomAD v4.1: 4 of 1,612,926 alleles (0.00025%); highest among the groups gnomAD compares: Non-Finnish European, 0.00034%; no homozygotes.

Submission:

Labcorp Genetics (formerly Invitae), Labcorp
Classification: Uncertain significance for Bethlem myopathy 1A. Last evaluated: 2022-06-04. Review status: criteria provided, single submitter. Criteria: Invitae Variant Classification Sherloc (09022015). Collection method: clinical testing. Allele origin: germline.
Comment: This sequence change replaces aspartic acid, which is acidic and polar, with asparagine, which is neutral and polar, at codon 741 of the COL6A2 protein (p.Asp741Asn). This variant is not present in population databases (gnomAD no frequency). This variant has not been reported in the literature in individuals affected with COL6A2-related conditions. ClinVar contains an entry for this variant (Variation ID: 1428785). Advanced modeling of protein sequence and biophysical properties (such as structural, functional, and spatial information, amino acid conservation, physicochemical variation, residue mobility, and thermodynamic stability) performed at Invitae indicates that this missense variant is not expected to disrupt COL6A2 protein function. In summary, the available evidence is currently insufficient to determine the role of this variant in disease. Therefore, it has been classified as a Variant of Uncertain Significance.

NM_001849.4(COL6A2):c.2221G>A (p.Asp741Asn)

Gene: COL6A2 (collagen type VI alpha 2 chain; plus strand). Cytogenetic location: 21q22.3.
Variant type: single nucleotide variant.
Coding change: c.2221G>A on transcript NM_001849.4 (MANE Select); coding-DNA position 2221, G replaced by A.
Protein change: p.Asp741Asn; replaces aspartic acid 741 with asparagine.
Molecular consequence: missense variant.
Genome position (GRCh38, 1-based): chr21:46,126,036, G>A. VCF-style: chr21-46126036-G-A. GRCh37 (hg19) VCF-style: chr21-47545950-G-A.
Other names: c.2221G>A, p.Asp741Asn (NM_058174.3, NM_058175.3); short protein forms D741N.
Identifiers: ClinVar variation 1428785 (VCV001428785.6), dbSNP rs1348937334, ClinGen allele CA410542187.